The following is an entry in ClinVar:

ClinVar aggregate classification (germline): Uncertain significance (1 of 4 stars; one submission).

Conditions:
IL2RG-related disorder. Also called: IL2RG-related condition.

Submission:

PreventionGenetics, part of Exact Sciences
Classification: Uncertain significance for IL2RG-related condition. Last evaluated: 2026-03-26. Review status: criteria provided, single submitter. Criteria: ACMG Guidelines, 2015. Collection method: clinical testing. Allele origin: germline.
Comment: The IL2RG c.1037C>G variant is predicted to result in the amino acid substitution p.Pro346Arg. To our knowledge, this variant has not been reported in the literature or in a large population database (gnomAD), indicating this variant is rare. At this time, the clinical significance of this variant is uncertain due to the absence of conclusive functional and genetic evidence.

NM_000206.3(IL2RG):c.1037C>G (p.Pro346Arg)

Gene: IL2RG (interleukin 2 receptor subunit gamma; minus strand). Cytogenetic location: Xq13.1.
Variant type: single nucleotide variant.
Coding change: c.1037C>G on transcript NM_000206.3 (MANE Select); coding-DNA position 1037, C replaced by G.
Protein change: p.Pro346Arg; replaces proline 346 with arginine.
Molecular consequence: missense variant. On other transcripts: 3 prime UTR variant (1).
Genome position (GRCh38, 1-based): chrX:71,107,809, G>C on the plus strand (C>G on the coding strand, the complement: IL2RG is on the minus strand). VCF-style: chrX-71107809-G-C. GRCh37 (hg19) VCF-style: chrX-70327659-G-C.
Other names: c.*157C>G (NM_001438870.1); short protein forms P346R.
Identifiers: ClinVar variation 4994565 (VCV004994565.1).